The following is an entry in ClinVar:

ClinVar aggregate classification (germline): Uncertain significance. Review status: criteria provided, multiple submitters, no conflicts (2 of 4 stars). 3 submissions from 3 submitters: Uncertain significance (3). Last evaluated 2026-01-17.

Conditions:
RASopathy. Also called: Noonan spectrum disorder; rasopathies. Identifiers: Orphanet 536391, MedGen C5555857, MONDO:0021060.
Cardiovascular phenotype. Identifiers: MedGen CN230736.

Allele frequency attached by ClinVar (database versions not stated): TOPMed 0.00001; gnomAD exomes 0.00002 and below 0.00001; gnomAD 0.00004 and 0.00003; ESP Exome Variant Server 0.00008; ExAC 0.00001.
gnomAD v4.1: 35 of 1,613,924 alleles (0.0022%); highest among the groups gnomAD compares: Non-Finnish European, 0.0029%; no homozygotes.

Submissions (3):

Labcorp Genetics (formerly Invitae), Labcorp
Classification: Uncertain significance for RASopathy. Last evaluated: 2026-01-17. Review status: criteria provided, single submitter. Criteria: Invitae Variant Classification Sherloc (09022015). Collection method: clinical testing. Allele origin: germline.
Comment: This sequence change replaces asparagine, which is neutral and polar, with aspartic acid, which is acidic and polar, at codon 454 of the CBL protein (p.Asn454Asp). This variant is present in population databases (rs371850672, gnomAD 0.002%). This variant has not been reported in the literature in individuals affected with CBL-related conditions. ClinVar contains an entry for this variant (Variation ID: 302780). Invitae Evidence Modeling of protein sequence and biophysical properties (such as structural, functional, and spatial information, amino acid conservation, physicochemical variation, residue mobility, and thermodynamic stability) indicates that this missense variant is not expected to disrupt CBL protein function with a negative predictive value of 95%. In summary, the available evidence is currently insufficient to determine the role of this variant in disease. Therefore, it has been classified as a Variant of Uncertain Significance.

Ambry Genetics
Classification: Uncertain significance for Cardiovascular phenotype. Last evaluated: 2025-05-16. Review status: criteria provided, single submitter. Criteria: Ambry Variant Classification Scheme 2023. Collection method: clinical testing. Allele origin: germline.
Comment: The p.N454D variant (also known as c.1360A>G), located in coding exon 9 of the CBL gene, results from an A to G substitution at nucleotide position 1360. The asparagine at codon 454 is replaced by aspartic acid, an amino acid with highly similar properties. This amino acid position is well conserved in available vertebrate species. In addition, this alteration is predicted to be tolerated by in silico analysis. Based on the available evidence, the clinical significance of this variant remains unclear.

Laboratory for Molecular Medicine, Mass General Brigham Personalized Medicine
Classification: Uncertain significance. Last evaluated: 2018-03-06. Review status: criteria provided, single submitter. Criteria: LMM Criteria. Collection method: clinical testing. Allele origin: germline.
Comment: Disclaimer: This variant has not undergone full assessment. The following are preliminary notes: 2 /126572 Europeans in GnomAd; not in HGMD or google search; likely benign by Illumina in ClinVar, conserved, predicted benign.

NM_005188.4(CBL):c.1360A>G (p.Asn454Asp)

Gene: CBL (Cbl proto-oncogene; plus strand). Cytogenetic location: 11q23.3.
Variant type: single nucleotide variant.
Coding change: c.1360A>G on transcript NM_005188.4 (MANE Select); coding-DNA position 1360, A replaced by G.
Protein change: p.Asn454Asp; replaces asparagine 454 with aspartic acid.
Molecular consequence: missense variant.
Genome position (GRCh38, 1-based): chr11:119,278,642, A>G. VCF-style: chr11-119278642-A-G. GRCh37 (hg19) VCF-style: chr11-119149352-A-G.
Other names: c.1360A>G (NM_005188.2); short protein forms N454D.
Identifiers: ClinVar variation 302780 (VCV000302780.14), dbSNP rs371850672, ClinGen allele CA6318503.
Genomic context (GRCh38, chr11:119,278,642, plus strand): 5'-TTTGATCCTAGAGGGAGTGGCAGCCTGTTGAGGCAAGGAGCAGAGGGAGCTCCCTCCCCA[A>G]ATTATGATGATGATGATGATGAACGAGCTGATGATACTCTCTTCATGATGAAGGAATTGG-3'
Protein context (NP_005179.2, residues 444-464): RQGAEGAPSP[Asn454Asp]YDDDDDERAD